The following is an entry in ClinVar:

ClinVar aggregate classification (germline): Uncertain significance. Review status: criteria provided, multiple submitters, no conflicts (2 of 4 stars). 3 submissions from 3 submitters: Uncertain significance (3). Last evaluated 2026-01-25.

Conditions:
Cardiovascular phenotype. Identifiers: MedGen CN230736.
Arrhythmogenic right ventricular cardiomyopathy (ARVD). Also called: Cardiomyopathy, ARVC; Arrhythmogenic right ventricular dysplasia; Arrhythmogenic cardiomyopathy; Arrhythmogenic Right Ventricular Cardiomyopathy (ARVC). Identifiers: Orphanet 247, MedGen C0349788, MeSH D019571, MONDO:0016587. Disease mechanism: loss of function. Inheritance: Various modes of inheritance.
Arrhythmogenic right ventricular dysplasia 10. Also called: Arrhythmogenic Right Ventricular Dysplasia/Cardiomyopathy10; ARRHYTHMOGENIC RIGHT VENTRICULAR DYSPLASIA, FAMILIAL, 10; Arrhythmogenic right ventricular dysplasia/cardiomyopathy, type 10. Identifiers: MedGen C1857777, MONDO:0012434, OMIM 610193.

Allele frequency attached by ClinVar (database versions not stated): gnomAD 0.00001; TOPMed 0.00001; 1000 Genomes Project 30x 0.00016; 1000 Genomes Project 0.00020; gnomAD exomes below 0.00001; ExAC 0.00001.
gnomAD v4.1: 3 of 1,614,188 alleles (0.00019%); highest among the groups gnomAD compares: African/African-American, 0.004%; no homozygotes.

Submissions (3):

Labcorp Genetics (formerly Invitae), Labcorp
Classification: Uncertain significance for Arrhythmogenic right ventricular dysplasia 10. Last evaluated: 2026-01-25. Review status: criteria provided, single submitter. Criteria: Invitae Variant Classification Sherloc (09022015). Collection method: clinical testing. Allele origin: germline.
Comment: This sequence change replaces valine, which is neutral and non-polar, with glycine, which is neutral and non-polar, at codon 288 of the DSG2 protein (p.Val288Gly). This variant is present in population databases (rs539291701, gnomAD 0.007%). This variant has not been reported in the literature in individuals affected with DSG2-related conditions. ClinVar contains an entry for this variant (Variation ID: 1900994). Invitae Evidence Modeling of protein sequence and biophysical properties (such as structural, functional, and spatial information, amino acid conservation, physicochemical variation, residue mobility, and thermodynamic stability) has been performed for this missense variant. However, the output from this modeling did not meet the statistical confidence thresholds required to predict the impact of this variant on DSG2 protein function. In summary, the available evidence is currently insufficient to determine the role of this variant in disease. Therefore, it has been classified as a Variant of Uncertain Significance.

All of Us Research Program, National Institutes of Health
Classification: Uncertain significance for Arrhythmogenic right ventricular cardiomyopathy. Last evaluated: 2023-12-01. Review status: criteria provided, single submitter. Criteria: ACMG Guidelines, 2015. Collection method: clinical testing. Allele origin: germline. Inheritance: Autosomal dominant inheritance. Observed: 1 variant allele, 1 heterozygote.
Comment: This study involves interpretation of variants in research participants for the purpose of population health screening. Participant phenotype was not available at the time of variant classification. Additional details can be found in publication PMID: 35346344, PMCID: PMC8962531

Ambry Genetics
Classification: Uncertain significance for Cardiovascular phenotype. Last evaluated: 2022-05-27. Review status: criteria provided, single submitter. Criteria: Ambry Variant Classification Scheme 2023. Collection method: clinical testing. Allele origin: germline.

NM_001943.5(DSG2):c.863T>G (p.Val288Gly)

Gene: DSG2 (desmoglein 2; plus strand). Cytogenetic location: 18q12.1.
Variant type: single nucleotide variant.
Coding change: c.863T>G on transcript NM_001943.5 (MANE Select); coding-DNA position 863, T replaced by G.
Protein change: p.Val288Gly; replaces valine 288 with glycine.
Molecular consequence: missense variant.
Genome position (GRCh38, 1-based): chr18:31,524,737, T>G. VCF-style: chr18-31524737-T-G. GRCh37 (hg19) VCF-style: chr18-29104700-T-G.
Other names: short protein forms V288G.
Identifiers: ClinVar variation 1900994 (VCV001900994.7), dbSNP rs539291701, ClinGen allele CA050316.
Genomic context (GRCh38, chr18:31,524,737, plus strand): 5'-AAAAATCATGTGTTCATGTTTTGCAGCTTGAAGGGATGGTTGAAGAAAATCAAGTCAACG[T>G]AGAAGTTACGCGCATAAAAGTGTTCGATGCAGATGAAATAGGTTCTGATAATTGGCTGGC-3'
Protein context (NP_001934.2, residues 278-298): EGMVEENQVN[Val288Gly]EVTRIKVFDA